The following is an entry in ClinVar:

NM_005732.4(RAD50):c.323A>C (p.Lys108Thr)

Gene: RAD50 (RAD50 double strand break repair protein; plus strand). Cytogenetic location: 5q31.1.
Variant type: single nucleotide variant.
Coding change: c.323A>C on transcript NM_005732.4 (MANE Select); coding-DNA position 323, A replaced by C.
Protein change: p.Lys108Thr; replaces lysine 108 with threonine.
Molecular consequence: missense variant.
Genome position (GRCh38, 1-based): chr5:132,575,886, A>C. VCF-style: chr5-132575886-A-C. GRCh37 (hg19) VCF-style: chr5-131911578-A-C.
Other names: short protein forms K108T.
Identifiers: ClinVar variation 1011393 (VCV001011393.9), dbSNP rs542347773, ClinGen allele CA360931227.

ClinVar aggregate classification (germline): Uncertain significance (1 of 4 stars; one submission).

Conditions:
Hereditary cancer-predisposing syndrome. Also called: Tumor predisposition; Hereditary neoplastic syndrome; Neoplastic Syndromes, Hereditary; Hereditary Cancer Syndrome. Identifiers: Orphanet 140162, MedGen C0027672, MeSH D009386, MONDO:0015356.

Submission:

Labcorp Genetics (formerly Invitae), Labcorp
Classification: Uncertain significance for Hereditary cancer-predisposing syndrome. Last evaluated: 2020-07-16. Review status: criteria provided, single submitter. Criteria: Invitae Variant Classification Sherloc (09022015). Collection method: clinical testing. Allele origin: germline.
Comment: This sequence change replaces lysine with threonine at codon 108 of the RAD50 protein (p.Lys108Thr). The lysine residue is moderately conserved and there is a moderate physicochemical difference between lysine and threonine. This variant is not present in population databases (ExAC no frequency). This variant has not been reported in the literature in individuals with RAD50-related conditions. Algorithms developed to predict the effect of missense changes on protein structure and function (SIFT, PolyPhen-2, Align-GVGD) all suggest that this variant is likely to be tolerated, but these predictions have not been confirmed by published functional studies and their clinical significance is uncertain. In summary, the available evidence is currently insufficient to determine the role of this variant in disease. Therefore, it has been classified as a Variant of Uncertain Significance.